The following is an entry in ClinVar:

NM_001283009.2(RTEL1):c.3239T>C (p.Leu1080Ser)

Genes: RTEL1-TNFRSF6B (RTEL1-TNFRSF6B readthrough (NMD candidate); plus strand), RTEL1 (regulator of telomere elongation helicase 1; plus strand). Cytogenetic location: 20q13.33.
Variant type: single nucleotide variant.
Coding change: c.3239T>C on transcript NM_001283009.2 (MANE Select); coding-DNA position 3239, T replaced by C.
Protein change: p.Leu1080Ser; replaces leucine 1080 with serine.
Molecular consequence: missense variant. On other transcripts: non-coding transcript variant (1).
Genome position (GRCh38, 1-based): chr20:63,694,870, T>C. VCF-style: chr20-63694870-T-C. GRCh37 (hg19) VCF-style: chr20-62326223-T-C.
Other names: c.2570T>C, p.Leu857Ser (NM_001283010.1); c.3239T>C, p.Leu1080Ser (NM_016434.4); c.3311T>C, p.Leu1104Ser (NM_032957.5); short protein forms L1080S, L1104S, L857S.
Identifiers: ClinVar variation 1692629 (VCV001692629.5), dbSNP rs770243852, ClinGen allele CA9965918.

ClinVar aggregate classification (germline): Uncertain significance. Review status: criteria provided, multiple submitters, no conflicts (2 of 4 stars). 3 submissions from 3 submitters: Uncertain significance (3). Last evaluated 2025-01-27.

Conditions:
Inborn genetic diseases. Identifiers: MedGen C0950123, MeSH D030342.
Pulmonary fibrosis and/or bone marrow failure, Telomere-related, 3. Also called: PULMONARY FIBROSIS AND/OR BONE MARROW FAILURE SYNDROME, TELOMERE-RELATED, 3. Identifiers: Orphanet 2032, MedGen C4225346, MONDO:0014613, OMIM 616373.
Dyskeratosis congenita, autosomal recessive 5 (DKCB5). Identifiers: MedGen C3554656, MONDO:0014076, OMIM 615190.
Dyskeratosis congenita. Identifiers: Orphanet 1775, MedGen C0265965, MONDO:0015780.

Allele frequency attached by ClinVar (database versions not stated): gnomAD 0.00002; gnomAD exomes 0.00004 and 0.00011; ExAC 0.00014; 1000 Genomes Project 30x 0.00031.
gnomAD v4.1: 64 of 1,612,610 alleles (0.004%); highest among the groups gnomAD compares: South Asian, 0.067%; 1 homozygote.

Submissions (3):

Ambry Genetics
Classification: Uncertain significance for Inborn genetic diseases. Last evaluated: 2025-01-27. Review status: criteria provided, single submitter. Criteria: Ambry Variant Classification Scheme 2023. Collection method: clinical testing. Allele origin: germline.
Comment: The p.L1080S variant (also known as c.3239T>C), located in coding exon 31 of the RTEL1 gene, results from a T to C substitution at nucleotide position 3239. The leucine at codon 1080 is replaced by serine, an amino acid with dissimilar properties. This amino acid position is conserved. In addition, this alteration is predicted to be tolerated by in silico analysis. Based on the available evidence, the clinical significance of this variant remains unclear.

Labcorp Genetics (formerly Invitae), Labcorp
Classification: Uncertain significance for Dyskeratosis congenita, autosomal recessive 5; Pulmonary fibrosis and/or bone marrow failure, Telomere-related, 3. Last evaluated: 2023-06-06. Review status: criteria provided, single submitter. Criteria: Invitae Variant Classification Sherloc (09022015). Collection method: clinical testing. Allele origin: germline.
Comment: In summary, the available evidence is currently insufficient to determine the role of this variant in disease. Therefore, it has been classified as a Variant of Uncertain Significance. Algorithms developed to predict the effect of missense changes on protein structure and function output the following: SIFT: "Not Available"; PolyPhen-2: "Benign"; Align-GVGD: "Not Available". The serine amino acid residue is found in multiple mammalian species, which suggests that this missense change does not adversely affect protein function. ClinVar contains an entry for this variant (Variation ID: 1692629). This variant has not been reported in the literature in individuals affected with RTEL1-related conditions. This variant is present in population databases (rs770243852, gnomAD 0.08%). This sequence change replaces leucine, which is neutral and non-polar, with serine, which is neutral and polar, at codon 1080 of the RTEL1 protein (p.Leu1080Ser).

Sema4
Classification: Uncertain significance for Dyskeratosis congenita. Last evaluated: 2021-05-18. Review status: criteria provided, single submitter. Criteria: Sema4 Curation Guidelines. Collection method: curation. Allele origin: germline.
Comment: The RTEL1 c.3239T>C (p.L1080S) variant has not been reported in the literature to our knowledge. It was observed in 25/30600 chromosomes of the South Asian subpopulation, with no homozygotes, in the large and broad cohorts of the Genome Aggregation Database. The variant has not been reported in ClinVar. In silico tools suggest the impact of the variant on protein function is inconclusive, though these predictions have not been confirmed by functional studies. The evidence is insufficient to meet ACMG/AMP criteria for classifying the variant as benign or pathogenic. Thus, the clinical significance of this variant is currently uncertain.